The following is an entry in ClinVar:

ClinVar aggregate classification (germline): Uncertain significance (1 of 4 stars; one submission).

Conditions:
Ehlers-Danlos syndrome, classic type, 1 (EDSCL1). Also called: EHLERS-DANLOS SYNDROME, GRAVIS TYPE; EHLERS-DANLOS SYNDROME, SEVERE CLASSIC TYPE; Ehlers-Danlos syndrome, type 1; Ehlers-Danlos Syndrome, Classic Type, COL5A1-Related; EDS I. Identifiers: MedGen C0268335, MONDO:0019567, OMIM 130000.

Submission:

Labcorp Genetics (formerly Invitae), Labcorp
Classification: Uncertain significance for Ehlers-Danlos syndrome, classic type, 1. Last evaluated: 2025-11-02. Review status: criteria provided, single submitter. Criteria: Invitae Variant Classification Sherloc (09022015). Collection method: clinical testing. Allele origin: germline.
Comment: This sequence change replaces proline, which is neutral and non-polar, with serine, which is neutral and polar, at codon 1190 of the COL5A2 protein (p.Pro1190Ser). This variant is not present in population databases (gnomAD no frequency). This variant has not been reported in the literature in individuals affected with COL5A2-related conditions. Invitae Evidence Modeling of protein sequence and biophysical properties (such as structural, functional, and spatial information, amino acid conservation, physicochemical variation, residue mobility, and thermodynamic stability) indicates that this missense variant is not expected to disrupt COL5A2 protein function with a negative predictive value of 80%. In summary, the available evidence is currently insufficient to determine the role of this variant in disease. Therefore, it has been classified as a Variant of Uncertain Significance.

NM_000393.5(COL5A2):c.3568C>T (p.Pro1190Ser)

Gene: COL5A2 (collagen type V alpha 2 chain; minus strand). Cytogenetic location: 2q32.2.
Variant type: single nucleotide variant.
Coding change: c.3568C>T on transcript NM_000393.5 (MANE Select); coding-DNA position 3568, C replaced by T.
Protein change: p.Pro1190Ser; replaces proline 1190 with serine.
Molecular consequence: missense variant.
Genome position (GRCh38, 1-based): chr2:189,041,651, G>A on the plus strand (C>T on the coding strand, the complement: COL5A2 is on the minus strand). VCF-style: chr2-189041651-G-A. GRCh37 (hg19) VCF-style: chr2-189906377-G-A.
Other names: short protein forms P1190S.
Identifiers: ClinVar variation 4740587 (VCV004740587.1).